The following is an entry in ClinVar:

ClinVar aggregate classification (germline): Uncertain significance (1 of 4 stars; one submission).

Conditions:
Fabry disease. Also called: Fabry's disease; ALPHA-GALACTOSIDASE A DEFICIENCY; ANDERSON-FABRY DISEASE; CERAMIDE TRIHEXOSIDASE DEFICIENCY; GLA DEFICIENCY; HEREDITARY DYSTOPIC LIPIDOSIS. Identifiers: Orphanet 324, MedGen C0002986, MONDO:0010526, OMIM 301500, HP:0001071. Disease mechanism: Fabry disease is due to inactivating mutations in the X-linked GLA gene resulting in deficiency of the enzyme Alpha Galactosidase-A., loss of function.

Submission:

Genomenon, Inc
Classification: Uncertain significance for Fabry disease. Last evaluated: 2026-09-08. Review status: criteria provided, single submitter. Criteria: Genomenon Sequence Variant Interpretation Standards - Updated. Collection method: curation. Allele origin: germline. Affected: yes.
Comment: GLA p.Val22Gly (c.65T>G) is a missense variant that changes the amino acid at codon 22 from Valine to Glycine. This variant has been observed in at least one proband with clinical features consistent with Fabry disease (PMID:30477121). It is absent or not present at a significant frequency in gnomAD. In conclusion, we classify GLA p.Val22Gly (c.65T>G) as a variant of uncertain significance.

Literature cited by the submitters: PubMed 30477121.

NM_000169.3(GLA):c.65T>G (p.Val22Gly)

Genes: GLA (galactosidase alpha; minus strand), RPL36A-HNRNPH2 (RPL36A-HNRNPH2 readthrough; plus strand). Cytogenetic location: Xq22.1.
Variant type: single nucleotide variant.
Coding change: c.65T>G on transcript NM_000169.3 (MANE Select); coding-DNA position 65, T replaced by G.
Protein change: p.Val22Gly; replaces valine 22 with glycine.
Molecular consequence: missense variant. On other transcripts: non-coding transcript variant (3), intron variant (2).
Genome position (GRCh38, 1-based): chrX:101,407,839, A>C on the plus strand (T>G on the coding strand, the complement: GLA is on the minus strand). VCF-style: chrX-101407839-A-C. GRCh37 (hg19) VCF-style: chrX-100662827-A-C.
Other names: c.65T>G, p.Val22Gly (NM_001406747.1, NM_001406748.1, NM_001406749.1); c.301-4097A>C (NM_001199973.2); c.178-4097A>C (NM_001199974.2); short protein forms V22G.
Identifiers: ClinVar variation 4974903 (VCV004974903.1), dbSNP rs869312379.
Genomic context (GRCh38, chrX:101,407,839, plus strand): 5'-ATGGTAGGCGTCCTTGCCAATCCATTGTCCAGTGCTCTAGCCCCAGGGATGTCCCAGGAA[A>C]CGAGGGCCAGGAAGCGAAGCGCAAGCGCGCAGCCCAGATGTAGTTCTGGGTTCCTCAGCT-3'
Protein context (NP_000160.1, residues 12-32): CALALRFLAL[Val22Gly]SWDIPGARAL